The following is an entry in ClinVar:

NM_000535.7(PMS2):c.683G>T (p.Gly228Val)

Gene: PMS2 (PMS1 homolog 2, mismatch repair system component; minus strand). Cytogenetic location: 7p22.1.
Variant type: single nucleotide variant.
Coding change: c.683G>T on transcript NM_000535.7 (MANE Select); coding-DNA position 683, G replaced by T.
Protein change: p.Gly228Val; replaces glycine 228 with valine.
Molecular consequence: missense variant. On other transcripts: 5 prime UTR variant (2), non-coding transcript variant (1), intron variant (1).
Genome position (GRCh38, 1-based): chr7:5,999,130, C>A on the plus strand (G>T on the coding strand, the complement: PMS2 is on the minus strand). VCF-style: chr7-5999130-C-A. GRCh37 (hg19) VCF-style: chr7-6038761-C-A.
Other names: c.278G>T, p.Gly93Val (NM_001322003.2, NM_001322004.2, NM_001322005.2 and 2 more transcripts); c.683G>T, p.Gly228Val (NM_001322006.2, NM_001322014.2); c.365G>T, p.Gly122Val (NM_001322007.2, NM_001322008.2); c.-251G>T (NM_001322011.2, NM_001322012.2); c.374G>T, p.Gly125Val (NM_001322015.2); c.133-1707G>T (NM_001322013.2); short protein forms G228V, G125V, G93V, G122V.
Identifiers: ClinVar variation 455734 (VCV000455734.17), dbSNP rs1554302319, ClinGen allele CA366743851.

ClinVar aggregate classification (germline): Uncertain significance. Review status: criteria provided, multiple submitters, no conflicts (2 of 4 stars). 5 submissions from 5 submitters: Uncertain significance (5). Last evaluated 2024-09-02.

Conditions:
Hereditary nonpolyposis colorectal neoplasms. Identifiers: MedGen C0009405, MeSH D003123.
Hereditary cancer-predisposing syndrome. Also called: Hereditary Cancer Syndrome; Hereditary neoplastic syndrome; Neoplastic Syndromes, Hereditary; Tumor predisposition. Identifiers: Orphanet 140162, MedGen C0027672, MeSH D009386, MONDO:0015356.

Submissions (5):

Labcorp Genetics (formerly Invitae), Labcorp
Classification: Uncertain significance for Hereditary nonpolyposis colorectal neoplasms. Last evaluated: 2024-09-02. Review status: criteria provided, single submitter. Criteria: Invitae Variant Classification Sherloc (09022015). Collection method: clinical testing. Allele origin: germline.
Comment: This sequence change replaces glycine, which is neutral and non-polar, with valine, which is neutral and non-polar, at codon 228 of the PMS2 protein (p.Gly228Val). This variant is not present in population databases (gnomAD no frequency). This variant has not been reported in the literature in individuals affected with PMS2-related conditions. ClinVar contains an entry for this variant (Variation ID: 455734). Invitae Evidence Modeling of protein sequence and biophysical properties (such as structural, functional, and spatial information, amino acid conservation, physicochemical variation, residue mobility, and thermodynamic stability) indicates that this missense variant is not expected to disrupt PMS2 protein function with a negative predictive value of 80%. In summary, the available evidence is currently insufficient to determine the role of this variant in disease. Therefore, it has been classified as a Variant of Uncertain Significance.

Ambry Genetics
Classification: Uncertain significance for Hereditary cancer-predisposing syndrome. Last evaluated: 2024-03-25. Review status: criteria provided, single submitter. Criteria: Ambry Variant Classification Scheme 2023. Collection method: clinical testing. Allele origin: germline.
Comment: The p.G228V variant (also known as c.683G>T), located in coding exon 6 of the PMS2 gene, results from a G to T substitution at nucleotide position 683. The glycine at codon 228 is replaced by valine, an amino acid with dissimilar properties. This amino acid position is well conserved in available vertebrate species. In addition, this alteration is predicted to be deleterious by in silico analysis. Based on the available evidence, the clinical significance of this alteration remains unclear.

Color Diagnostics, LLC DBA Color Health
Classification: Uncertain significance for Hereditary cancer-predisposing syndrome. Last evaluated: 2024-03-06. Review status: criteria provided, single submitter. Criteria: ACMG Guidelines, 2015. Collection method: clinical testing. Allele origin: germline.
Comment: This missense variant replaces glycine with valine at codon 228 of the PMS2 protein. Computational prediction tool is inconclusive regarding the impact of this variant on protein structure and function (internally defined REVEL score threshold 0.5 < inconclusive < 0.7, PMID: 27666373). Splice site prediction tools suggest that this variant may not impact RNA splicing. To our knowledge, functional studies have not been performed for this variant. This variant has not been reported in individuals affected with hereditary cancer in the literature. This variant has not been identified in the general population by the Genome Aggregation Database (gnomAD). The available evidence is insufficient to determine the role of this variant in disease conclusively. Therefore, this variant is classified as a Variant of Uncertain Significance.

Quest Diagnostics Nichols Institute San Juan Capistrano
Classification: Uncertain significance. Last evaluated: 2017-09-20. Review status: criteria provided, single submitter. Criteria: Quest Diagnostics criteria. Collection method: clinical testing. Allele origin: germline.

Women's Health and Genetics/Laboratory Corporation of America, LabCorp
Classification: Uncertain significance. Last evaluated: 2017-05-15. Review status: criteria provided, single submitter. Criteria: LabCorp Variant Classification Summary - May 2015. Collection method: clinical testing. Allele origin: germline.
Comment: Variant summary: The PMS2 c.683G>T (p.Gly228Val) variant involves the alteration of a conserved nucleotide. 4/4 in silico tools predict a damaging outcome for this variant (SNPsandGO not captured due to low reliability index). This variant is absent in 121412 control chromosomes. The variant of interest has not, to our knowledge, been reported in affected individuals via publications and/or reputable databases/clinical diagnostic laboratories; nor evaluated for functional impact by in vivo/vitro studies. Because of the absence of clinical information and the lack of functional studies, the variant is classified as a variant of uncertain significance (VUS) until additional information becomes available.